The following is an entry in ClinVar:

NM_002474.3(MYH11):c.5236GAG[2] (p.Glu1748del)

Genes: MYH11 (myosin heavy chain 11; minus strand), NDE1 (nudE neurodevelopment protein 1; plus strand). Cytogenetic location: 16p13.11.
Variant type: Microsatellite.
Coding change: c.5236GAG[2] on transcript NM_002474.3 (MANE Select); two copies in a row of the 3-base unit GAG starting at c.5236; the reference has three copies in a row; one copy, 3 bases deleted.
Protein change: p.Glu1748del; deletes glutamic acid 1748.
Molecular consequence: inframe deletion. On other transcripts: intron variant (2).
Genome position (GRCh38, 1-based): chr16:15,718,366-15,718,368, CTC deleted on the plus strand (GAG on the coding strand, the reverse complement: MYH11 is on the minus strand); deleting any 3 consecutive bases within chr16:15,718,366-15,718,375 gives the same sequence; the position shown is the placement nearest the transcript's 3' end. VCF-style (leftmost placement, unchanged base first): chr16-15718365-GCTC-G. GRCh37 (hg19) VCF-style: chr16-15812222-GCTC-G.
Other names: c.5257GAG[2], p.Glu1755del (NM_001040113.2, NM_001040114.2); c.5236GAG[2], p.Glu1748del (NM_022844.3); c.948-5825CTC[2] (NM_001143979.2, NM_017668.3); short protein forms E1755del, E1748del.
Identifiers: ClinVar variation 1428885 (VCV001428885.7), dbSNP rs748859355, ClinGen allele CA7921357.
Genomic context (GRCh38, chr16:15,718,365, plus strand): 5'-CGGCCCTCACCTGCTGTGTGGCTTTGCGGACCCGGTCGCTCATGGCCTCCATGTTGCCCT[GCTC>G]CTCCTCCAGCTCCTCCTCCAGCTGGGCGATCCGGGCCTCCAGGCGGCGCTTCTCGTCCTG-3'

ClinVar aggregate classification (germline): Uncertain significance. Review status: criteria provided, multiple submitters, no conflicts (2 of 4 stars). 2 submissions from 2 submitters: Uncertain significance (2). Last evaluated 2023-06-26.

Conditions:
Aortic aneurysm, familial thoracic 4 (AAT4). Also called: AORTIC ANEURYSM/AORTIC DISSECTION AND PATENT DUCTUS ARTERIOSUS. Identifiers: MedGen C1851504, MONDO:0007568, OMIM 132900.
Familial thoracic aortic aneurysm and aortic dissection (TAAD). Also called: Thoracic aortic aneurysms and dissections. Identifiers: Orphanet 91387, MedGen C4707243, MONDO:0019625.

Submissions (2):

All of Us Research Program, National Institutes of Health
Classification: Uncertain significance for Familial thoracic aortic aneurysm and aortic dissection. Last evaluated: 2023-06-26. Review status: criteria provided, single submitter. Criteria: ACMG Guidelines, 2015. Collection method: clinical testing. Allele origin: germline. Inheritance: Autosomal dominant inheritance. Observed: 2 variant alleles, 2 heterozygotes.
Comment: This variant causes an in-frame deletion of one amino acid of the MYH11 protein. To our knowledge, functional studies have not been reported for this variant. This variant has not been reported in individuals affected with MYH11-related disorders in the literature. This variant has been identified in 3/245600 chromosomes in the general population by the Genome Aggregation Database (gnomAD). The available evidence is insufficient to determine the role of this variant in disease conclusively. Therefore, this variant is classified as a Variant of Uncertain Significance.

This study involves interpretation of variants in research participants for the purpose of population health screening. Participant phenotype was not available at the time of variant classification. Additional details can be found in publication PMID: 35346344, PMCID: PMC8962531

Labcorp Genetics (formerly Invitae), Labcorp
Classification: Uncertain significance for Aortic aneurysm, familial thoracic 4. Last evaluated: 2023-06-04. Review status: criteria provided, single submitter. Criteria: Invitae Variant Classification Sherloc (09022015). Collection method: clinical testing. Allele origin: germline.
Comment: This variant, c.5263_5265del, results in the deletion of 1 amino acid(s) of the MYH11 protein (p.Glu1755del), but otherwise preserves the integrity of the reading frame. This variant is present in population databases (rs748859355, gnomAD 0.009%). This variant has been observed in individual(s) with clinical features of thoracic aortic aneurysms and dissections (TAAD) (Invitae). Experimental studies and prediction algorithms are not available or were not evaluated, and the functional significance of this variant is currently unknown. In summary, the available evidence is currently insufficient to determine the role of this variant in disease. Therefore, it has been classified as a Variant of Uncertain Significance.